The following is an entry in ClinVar:

ClinVar aggregate classification (germline): Pathogenic/Likely pathogenic. Review status: criteria provided, multiple submitters, no conflicts (2 of 4 stars). 3 submissions from 3 submitters: Pathogenic (2); Likely pathogenic (1). Last evaluated 2025-04-09.

Conditions:
NF1-related disorder. Also called: NF1-related condition. Identifiers: MedGen CN379171.
Neurofibromatosis, type 1 (NF1). Also called: Neurofibromatosis, type I; Peripheral type neurofibromatosis; VON RECKLINGHAUSEN DISEASE; NEUROFIBROMATOSIS, TYPE I, SOMATIC. Identifiers: Orphanet 636, MedGen C0027831, MONDO:0018975, OMIM 162200. Disease mechanism: loss of function.

Submissions (3):

Labcorp Genetics (formerly Invitae), Labcorp
Classification: Pathogenic for Neurofibromatosis, type 1. Last evaluated: 2025-04-09. Review status: criteria provided, single submitter. Criteria: Invitae Variant Classification Sherloc (09022015). Collection method: clinical testing. Allele origin: germline.
Comment: This sequence change creates a premature translational stop signal (p.Phe2295Leufs*10) in the NF1 gene. It is expected to result in an absent or disrupted protein product. Loss-of-function variants in NF1 are known to be pathogenic (PMID: 10712197, 23913538). This variant is not present in population databases (gnomAD no frequency). This variant has not been reported in the literature in individuals affected with NF1-related conditions. ClinVar contains an entry for this variant (Variation ID: 996376). For these reasons, this variant has been classified as Pathogenic.

Genome Diagnostics Laboratory, The Hospital for Sick Children
Classification: Pathogenic for Neurofibromatosis, type 1. Last evaluated: 2020-10-26. Review status: criteria provided, single submitter. Criteria: ACMG Guidelines, 2015. Collection method: clinical testing. Allele origin: germline. Affected: yes.

Blueprint Genetics
Classification: Likely pathogenic for NF1-related disorders. Last evaluated: 2017-12-16. Review status: criteria provided, single submitter. Criteria: ACMG Guidelines, 2015. Collection method: clinical testing. Allele origin: germline. Affected: yes. Observed: 1 variant allele.

Literature cited by the submitters: PubMed 10712197 (cited by Labcorp Genetics (formerly Invitae), Labcorp); PubMed 23913538 (cited by Labcorp Genetics (formerly Invitae), Labcorp).

NM_001042492.3(NF1):c.6948_6949del (p.Phe2316fs)

Gene: NF1 (neurofibromin 1; plus strand). Cytogenetic location: 17q11.2.
Variant type: Deletion.
Coding change: c.6948_6949del on transcript NM_001042492.3 (MANE Select); coding-DNA positions 6948 to 6949, 2 bases deleted (TT; older notation c.6948_6949delTT).
Protein change: p.Phe2316fs; shifts the reading frame from phenylalanine 2316.
Molecular consequence: frameshift variant.
Genome position (GRCh38, 1-based): chr17:31,340,531-31,340,532, TT deleted; deleting any 2 consecutive bases within chr17:31,340,529-31,340,532 gives the same sequence; the c. name uses the placement nearest the transcript's 3' end. VCF-style (leftmost placement, unchanged base first): chr17-31340528-CTT-C. GRCh37 (hg19) VCF-style: chr17-29667546-CTT-C.
Other names: c.6885_6886delTT, p.Phe2295Leufs (NM_000267.4); c.6885_6886delTT (NM_000267.3); short protein forms F2295fs, F2316fs.
Identifiers: ClinVar variation 996376 (VCV000996376.6), dbSNP rs2069790360, ClinGen allele CA2255603895.